The following is an entry in ClinVar:

ClinVar aggregate classification (germline): Conflicting classifications of pathogenicity. Review status: criteria provided, conflicting classifications (1 of 4 stars). 4 submissions from 4 submitters: Uncertain significance (2); Likely benign (2). Last evaluated 2025-06-24.

Conditions:
NLRP3-related disorder. Also called: NLRP3-Related Disorders; NLRP3-related condition.
Familial amyloid nephropathy with urticaria AND deafness (MWS). Also called: Urticaria, deafness and amyloidosis; CRYOPYRIN-ASSOCIATED PERIODIC SYNDROME 2; UDA SYNDROME; URTICARIA-DEAFNESS-AMYLOIDOSIS SYNDROME; MUCKLE-WELLS SYNDROME. Identifiers: Orphanet 575, MedGen C0268390, MONDO:0008633, OMIM 191900.
Hearing loss, autosomal dominant 34, with or without inflammation. Also called: DEAFNESS, AUTOSOMAL DOMINANT 34, WITH OR WITHOUT INFLAMMATION. Identifiers: MedGen C4521680, MONDO:0033261, OMIM 617772.
Familial cold autoinflammatory syndrome 1 (FCAS1). Also called: Familial cold inflammatory syndrome 1; CRYOPYRIN-ASSOCIATED PERIODIC SYNDROME 1. Identifiers: Orphanet 47045, MedGen C4551895, MONDO:0007349, OMIM 120100.
Keratitis fugax hereditaria. Also called: KERATOENDOTHELIITIS FUGAX HEREDITARIA. Identifiers: Orphanet 647815, MedGen C1835697, MONDO:0007849, OMIM 148200.
Chronic infantile neurological, cutaneous and articular syndrome (CINCA). Also called: Prieur Griscelli syndrome; CHRONIC NEUROLOGIC CUTANEOUS AND ARTICULAR SYNDROME; CRYOPYRIN-ASSOCIATED PERIODIC SYNDROME 3; CINCA syndrome. Identifiers: Orphanet 1451, MedGen C0409818, MONDO:0011776, OMIM 607115.
Cryopyrin associated periodic syndrome (CAPS). Identifiers: Orphanet 208650, MedGen C2316212, MONDO:0016168.

Allele frequency attached by ClinVar (database versions not stated): gnomAD 0.00002 and 0.00004; ExAC 0.00003; TOPMed 0.00004; gnomAD exomes 0.00005; 1000 Genomes Project 0.00040; 1000 Genomes Project 30x 0.00047.
gnomAD v4.1: 30 of 1,608,296 alleles (0.0019%); highest among the groups gnomAD compares: East Asian, 0.062%; no homozygotes.

Submissions (4):

GeneDx
Classification: Uncertain significance. Last evaluated: 2025-06-24. Review status: criteria provided, single submitter. Criteria: GeneDx Variant Classification Process June 2021. Collection method: clinical testing. Allele origin: germline. Affected: yes.
Comment: In silico analysis suggests that this missense variant does not alter protein structure/function; Also known as E457D; This variant is associated with the following publications: (PMID: 19302049, 34099791)

Labcorp Genetics (formerly Invitae), Labcorp
Classification: Likely benign for Cryopyrin associated periodic syndrome. Last evaluated: 2025-03-03. Review status: criteria provided, single submitter. Criteria: Invitae Variant Classification Sherloc (09022015). Collection method: clinical testing. Allele origin: germline.

PreventionGenetics, part of Exact Sciences
Classification: Likely benign for NLRP3-related condition. Last evaluated: 2024-10-26. Review status: criteria provided, single submitter. Criteria: ACMG Guidelines, 2015. Collection method: clinical testing. Allele origin: germline.
Comment: This variant is classified as likely benign based on ACMG/AMP sequence variant interpretation guidelines (Richards et al. 2015 PMID: 25741868, with internal and published modifications).

Fulgent Genetics
Classification: Uncertain significance for Familial cold autoinflammatory syndrome 1; Keratitis fugax hereditaria; Familial amyloid nephropathy with urticaria AND deafness; Chronic infantile neurological, cutaneous and articular syndrome; Hearing loss, autosomal dominant 34, with or without inflammation. Last evaluated: 2024-04-24. Review status: criteria provided, single submitter. Criteria: ACMG Guidelines, 2015. Collection method: clinical testing. Allele origin: germline.

NM_001243133.2(NLRP3):c.1371G>T (p.Glu457Asp)

Gene: NLRP3 (NLR family pyrin domain containing 3; plus strand). Cytogenetic location: 1q44.
Variant type: single nucleotide variant.
Coding change: c.1371G>T on transcript NM_001243133.2 (MANE Select); coding-DNA position 1371, G replaced by T.
Protein change: p.Glu457Asp; replaces glutamic acid 457 with aspartic acid.
Molecular consequence: missense variant.
Genome position (GRCh38, 1-based): chr1:247,424,820, G>T. VCF-style: chr1-247424820-G-T. GRCh37 (hg19) VCF-style: chr1-247588122-G-T.
Other names: c.1371G>T, p.Glu457Asp (NM_001079821.3, NM_001127461.3, NM_001127462.3 and 1 more transcripts); c.1377G>T, p.Glu459Asp (NM_004895.5); short protein forms E457D, E459D.
Identifiers: ClinVar variation 1058144 (VCV001058144.13), dbSNP rs191754224, ClinGen allele CA1495020.
Genomic context (GRCh38, chr1:247,424,820, plus strand): 5'-CACCGCGGTGTACGTCTTCTTCCTTTCCAGTTTGCTGCAGCCCCGGGGAGGGAGCCAGGA[G>T]CACGGCCTCTGCGCCCACCTCTGGGGGCTCTGCTCTTTGGCTGCAGATGGAATCTGGAAC-3'
Protein context (NP_001230062.1, residues 447-467): SLLQPRGGSQ[Glu457Asp]HGLCAHLWGL